The following is an entry in ClinVar:

ClinVar aggregate classification (germline): Uncertain significance. Review status: criteria provided, multiple submitters, no conflicts (2 of 4 stars). 2 submissions from 2 submitters: Uncertain significance (2). Last evaluated 2025-12-15.

Conditions:
Intellectual developmental disorder, autosomal dominant 1. Also called: Intellectual disability, autosomal dominant 1; MBD5 Haploinsufficiency. Identifiers: Orphanet 228402, MedGen C1969562, MONDO:0007974, OMIM 156200.
MBD5-related disorder. Also called: MBD5-related condition.

Allele frequency attached by ClinVar (database versions not stated): gnomAD exomes below 0.00001; gnomAD 0.00001; TOPMed 0.00001.
gnomAD v4.1: 2 of 1,613,808 alleles (0.00012%); highest among the groups gnomAD compares: African/African-American, 0.0027%; no homozygotes.

Submissions (2):

PreventionGenetics, part of Exact Sciences
Classification: Uncertain significance for MBD5-related condition. Last evaluated: 2025-12-15. Review status: criteria provided, single submitter. Criteria: ACMG Guidelines, 2015. Collection method: clinical testing. Allele origin: germline.
Comment: The MBD5 c.2240G>C variant is predicted to result in the amino acid substitution p.Ser747Thr. To our knowledge, this variant has not been reported in the literature or in a large population database (gnomAD), indicating this variant is rare. At this time, the clinical significance of this variant is uncertain due to the absence of conclusive functional and genetic evidence.

Labcorp Genetics (formerly Invitae), Labcorp
Classification: Uncertain significance for Intellectual developmental disorder, autosomal dominant 1. Last evaluated: 2024-02-02. Review status: criteria provided, single submitter. Criteria: Invitae Variant Classification Sherloc (09022015). Collection method: clinical testing. Allele origin: germline.
Comment: This sequence change replaces serine, which is neutral and polar, with threonine, which is neutral and polar, at codon 747 of the MBD5 protein (p.Ser747Thr). This variant is not present in population databases (gnomAD no frequency). This variant has not been reported in the literature in individuals affected with MBD5-related conditions. ClinVar contains an entry for this variant (Variation ID: 574278). Advanced modeling of protein sequence and biophysical properties (such as structural, functional, and spatial information, amino acid conservation, physicochemical variation, residue mobility, and thermodynamic stability) performed at Invitae indicates that this missense variant is not expected to disrupt MBD5 protein function with a negative predictive value of 80%. In summary, the available evidence is currently insufficient to determine the role of this variant in disease. Therefore, it has been classified as a Variant of Uncertain Significance.

NM_001378120.1(MBD5):c.2240G>C (p.Ser747Thr)

Gene: MBD5 (methyl-CpG binding domain protein 5; plus strand). Cytogenetic location: 2q23.1.
Variant type: single nucleotide variant.
Coding change: c.2240G>C on transcript NM_001378120.1 (MANE Select); coding-DNA position 2240, G replaced by C.
Protein change: p.Ser747Thr; replaces serine 747 with threonine.
Molecular consequence: missense variant.
Genome position (GRCh38, 1-based): chr2:148,470,183, G>C. VCF-style: chr2-148470183-G-C. GRCh37 (hg19) VCF-style: chr2-149227752-G-C.
Other names: c.2240G>C, p.Ser747Thr (NM_018328.5); short protein forms S747T.
Identifiers: ClinVar variation 574278 (VCV000574278.10), dbSNP rs1031639264, ClinGen allele CA57579588.